The following is an entry in ClinVar:

NM_022051.3(EGLN1):c.592A>C (p.Ile198Leu)

Gene: EGLN1 (egl-9 family hypoxia inducible factor 1; minus strand). Cytogenetic location: 1q42.2.
Variant type: single nucleotide variant.
Coding change: c.592A>C on transcript NM_022051.3 (MANE Select); coding-DNA position 592, A replaced by C.
Protein change: p.Ile198Leu; replaces isoleucine 198 with leucine.
Molecular consequence: missense variant.
Genome position (GRCh38, 1-based): chr1:231,421,297, T>G on the plus strand (A>C on the coding strand, the complement: EGLN1 is on the minus strand). VCF-style: chr1-231421297-T-G. GRCh37 (hg19) VCF-style: chr1-231557043-T-G.
Other names: c.592A>C, p.Ile198Leu (NM_001377260.1, NM_001377261.1); short protein forms I198L.
Identifiers: ClinVar variation 3507196 (VCV003507196.1).

ClinVar aggregate classification (germline): Uncertain significance (1 of 4 stars; one submission).

Submission:

Ambry Genetics
Classification: Uncertain significance. Last evaluated: 2024-11-14. Review status: criteria provided, single submitter. Criteria: Ambry Variant Classification Scheme 2023. Collection method: clinical testing. Allele origin: germline.
Comment: The p.I198L variant (also known as c.592A>C), located in coding exon 1 of the EGLN1 gene, results from an A to C substitution at nucleotide position 592. The isoleucine at codon 198 is replaced by leucine, an amino acid with highly similar properties. This amino acid position is conserved. In addition, this alteration is predicted to be tolerated by in silico analysis. Based on the available evidence, the clinical significance of this variant remains unclear.